The following is an entry in ClinVar:

ClinVar aggregate classification (germline): Uncertain significance. Review status: criteria provided, multiple submitters, no conflicts (2 of 4 stars). 4 submissions from 4 submitters: Uncertain significance (4). Last evaluated 2022-08-23.

Conditions:
Microcephaly, seizures, and developmental delay. Identifiers: Orphanet 1934, MedGen C3150667, MONDO:0013254, OMIM 613402.
Inborn genetic diseases. Identifiers: MedGen C0950123, MeSH D030342.
Developmental and epileptic encephalopathy, 12 (DEE12). Identifiers: MedGen C3150988, MONDO:0013389, OMIM 613722.

Allele frequency attached by ClinVar (database versions not stated): TOPMed 0.00002.
gnomAD v4.1: 7 of 1,552,622 alleles (0.00045%); highest among the groups gnomAD compares: Admixed American, 0.012%; no homozygotes.

Submissions (4):

Labcorp Genetics (formerly Invitae), Labcorp
Classification: Uncertain significance for Developmental and epileptic encephalopathy, 12. Last evaluated: 2022-08-23. Review status: criteria provided, single submitter. Criteria: Invitae Variant Classification Sherloc (09022015). Collection method: clinical testing. Allele origin: germline.
Comment: In summary, the available evidence is currently insufficient to determine the role of this variant in disease. Therefore, it has been classified as a Variant of Uncertain Significance. Algorithms developed to predict the effect of missense changes on protein structure and function (SIFT, PolyPhen-2, Align-GVGD) all suggest that this variant is likely to be tolerated. ClinVar contains an entry for this variant (Variation ID: 653942). This variant has not been reported in the literature in individuals affected with PNKP-related conditions. This variant is present in population databases (no rsID available, gnomAD 0.02%). This sequence change replaces leucine, which is neutral and non-polar, with valine, which is neutral and non-polar, at codon 454 of the PNKP protein (p.Leu454Val).

Ambry Genetics
Classification: Uncertain significance for Inborn genetic diseases. Last evaluated: 2022-02-11. Review status: criteria provided, single submitter. Criteria: Ambry Variant Classification Scheme 2023. Collection method: clinical testing. Allele origin: germline.

GeneDx
Classification: Uncertain significance. Last evaluated: 2019-10-30. Review status: criteria provided, single submitter. Criteria: GeneDx Variant Classification Process June 2021. Collection method: clinical testing. Allele origin: germline. Affected: yes.
Comment: Not observed at a significant frequency in large population cohorts (Lek et al., 2016); In silico analysis, which includes protein predictors and evolutionary conservation, supports that this variant does not alter protein structure/function; Has not been previously published as pathogenic or benign to our knowledge

Knight Diagnostic Laboratories, Oregon Health and Sciences University
Classification: Uncertain significance for Microcephaly, seizures, and developmental delay. Last evaluated: 2019-07-08. Review status: criteria provided, single submitter. Criteria: ACMG Guidelines, 2015. Collection method: clinical testing. Allele origin: germline. Observed: 1 variant allele.

NM_007254.4(PNKP):c.1360C>G (p.Leu454Val)

Gene: PNKP (polynucleotide kinase 3'-phosphatase; minus strand). Cytogenetic location: 19q13.33.
Variant type: single nucleotide variant.
Coding change: c.1360C>G on transcript NM_007254.4 (MANE Select); coding-DNA position 1360, C replaced by G.
Protein change: p.Leu454Val; replaces leucine 454 with valine.
Molecular consequence: missense variant.
Genome position (GRCh38, 1-based): chr19:49,861,634, G>C on the plus strand (C>G on the coding strand, the complement: PNKP is on the minus strand). VCF-style: chr19-49861634-G-C. GRCh37 (hg19) VCF-style: chr19-50364891-G-C.
Other names: short protein forms L454V.
Identifiers: ClinVar variation 653942 (VCV000653942.14), dbSNP rs200611702, ClinGen allele CA406933071.
Genomic context (GRCh38, chr19:49,861,634, plus strand): 5'-CAGCCCGGGGGGTGTCCGGGCTGAGCGGGCTCACCCGGTTGTTGTGGCGCGCCTGCTCCA[G>C]AGTGGCGGTGAAGAGGAAGCAGCGGCAGGGGACGCCCGCGGCTCGGGCACACTGGACGTA-3'
Protein context (NP_009185.2, residues 444-464): PCRCFLFTAT[Leu454Val]EQARHNNRFR